The following is an entry in ClinVar:

ClinVar aggregate classification (germline): Uncertain significance (1 of 4 stars; one submission).

Submission:

Labcorp Genetics (formerly Invitae), Labcorp
Classification: Uncertain significance. Last evaluated: 2025-03-02. Review status: criteria provided, single submitter. Criteria: Invitae Variant Classification Sherloc (09022015). Collection method: clinical testing. Allele origin: germline.
Comment: This sequence change replaces glutamic acid, which is acidic and polar, with glycine, which is neutral and non-polar, at codon 1961 of the BPTF protein (p.Glu1961Gly). This variant is not present in population databases (gnomAD no frequency). This variant has not been reported in the literature in individuals affected with BPTF-related conditions. An algorithm developed to predict the effect of missense changes on protein structure and function (PolyPhen-2) suggests that this variant is likely to be disruptive. In summary, the available evidence is currently insufficient to determine the role of this variant in disease. Therefore, it has been classified as a Variant of Uncertain Significance.

NM_182641.4(BPTF):c.5504A>G (p.Glu1835Gly)

Gene: BPTF (bromodomain PHD finger transcription factor; plus strand). Cytogenetic location: 17q24.2.
Variant type: single nucleotide variant.
Coding change: c.5504A>G on transcript NM_182641.4 (MANE Select); coding-DNA position 5504, A replaced by G.
Protein change: p.Glu1835Gly; replaces glutamic acid 1835 with glycine.
Molecular consequence: missense variant.
Genome position (GRCh38, 1-based): chr17:67,920,090, A>G. VCF-style: chr17-67920090-A-G. GRCh37 (hg19) VCF-style: chr17-65916206-A-G.
Other names: c.5693A>G, p.Glu1898Gly (NM_001439139.1, NM_001439141.1, NM_001439143.1 and 1 more transcripts); c.5882A>G, p.Glu1961Gly (NM_001439140.1, NM_001439142.1, NM_004459.7); short protein forms E1961G, E1898G, E1835G.
Identifiers: ClinVar variation 4714181 (VCV004714181.1).